The following is an entry in ClinVar:

NM_014363.6(SACS):c.674A>G (p.His225Arg)

Gene: SACS (sacsin molecular chaperone; minus strand). Cytogenetic location: 13q12.12.
Variant type: single nucleotide variant.
Coding change: c.674A>G on transcript NM_014363.6 (MANE Select); coding-DNA position 674, A replaced by G.
Protein change: p.His225Arg; replaces histidine 225 with arginine.
Molecular consequence: missense variant.
Genome position (GRCh38, 1-based): chr13:23,355,938, T>C on the plus strand (A>G on the coding strand, the complement: SACS is on the minus strand). VCF-style: chr13-23355938-T-C. GRCh37 (hg19) VCF-style: chr13-23930077-T-C.
Other names: c.233A>G, p.His78Arg (NM_001278055.2); short protein forms H225R, H78R.
Identifiers: ClinVar variation 2043096 (VCV002043096.1), dbSNP rs1870358552, ClinGen allele CA387551399.

ClinVar aggregate classification (germline): Uncertain significance (1 of 4 stars; one submission).

Conditions:
Spastic paraplegia. Identifiers: MedGen C0037772, HP:0001258.

Submission:

Labcorp Genetics (formerly Invitae), Labcorp
Classification: Uncertain significance for Spastic paraplegia. Last evaluated: 2022-06-28. Review status: criteria provided, single submitter. Criteria: Invitae Variant Classification Sherloc (09022015). Collection method: clinical testing. Allele origin: germline.
Comment: This sequence change replaces histidine, which is basic and polar, with arginine, which is basic and polar, at codon 225 of the SACS protein (p.His225Arg). This variant is not present in population databases (gnomAD no frequency). This variant has not been reported in the literature in individuals affected with SACS-related conditions. Advanced modeling of protein sequence and biophysical properties (such as structural, functional, and spatial information, amino acid conservation, physicochemical variation, residue mobility, and thermodynamic stability) performed at Invitae indicates that this missense variant is not expected to disrupt SACS protein function. In summary, the available evidence is currently insufficient to determine the role of this variant in disease. Therefore, it has been classified as a Variant of Uncertain Significance.